The following is an entry in ClinVar:

NM_001165963.4(SCN1A):c.3657G>A (p.Trp1219Ter)

Genes: SCN1A (sodium voltage-gated channel alpha subunit 1; minus strand), LOC102724058 (uncharacterized LOC102724058; plus strand). Cytogenetic location: 2q24.3.
Variant type: single nucleotide variant.
Coding change: c.3657G>A on transcript NM_001165963.4 (MANE Select); coding-DNA position 3657, G replaced by A.
Protein change: p.Trp1219Ter; replaces tryptophan 1219 with a stop codon.
Molecular consequence: nonsense. On other transcripts: non-coding transcript variant (1).
Genome position (GRCh38, 1-based): chr2:166,013,792, C>T on the plus strand (G>A on the coding strand, the complement: SCN1A is on the minus strand). VCF-style: chr2-166013792-C-T. GRCh37 (hg19) VCF-style: chr2-166870302-C-T.
Other names: c.3621G>A, p.Trp1207Ter (NM_001353955.2, NM_001353954.2); c.3573G>A, p.Trp1191Ter (NM_001353957.2, NM_001353958.2, NM_001165964.3); c.3570G>A, p.Trp1190Ter (NM_001353960.2); c.1215G>A, p.Trp405Ter (NM_001353961.2); c.3624G>A, p.Trp1208Ter (NM_006920.6, NM_001353949.2, NM_001353950.2 and 2 more transcripts); c.3657G>A, p.Trp1219Ter (NM_001202435.3, NM_001353948.2); short protein forms W1208*, W1219*, W1190*, W405*, W1191*, W1207*.
Identifiers: ClinVar variation 217244 (VCV000217244.2), dbSNP rs863225033, ClinGen allele CA325459.
Genomic context (GRCh38, chr2:166,013,792, plus strand): 5'-AATCTCACTCACCAGAGCACCACTACTAAGGAGAATCATGAAAACAATGAAGGTCTCAAA[C>T]CAGTTATGTTCAACTATTCGGAAACACGTCCTTCTCAGGTTCCACCATTGTTTTCCTCTG-3'

ClinVar aggregate classification (germline): Pathogenic. Review status: criteria provided, multiple submitters, no conflicts (2 of 4 stars). 2 submissions from 2 submitters: Pathogenic (2). Last evaluated 2025-01-27.

Conditions:
Early-infantile DEE. Also called: Early infantile epileptic encephalopathy with suppression bursts; Early infantile epileptic encephalopathy; Ohtahara syndrome. Identifiers: Orphanet 1934, MedGen C0393706, MONDO:0800491.
Severe myoclonic epilepsy in infancy (DRVT). Also called: Epileptic encephalopathy, early infantile, 6 (Dravet syndrome); Severe Myoclonic Epilepsy in Infancy (SMEI); Dravet syndrome; SEVERE MYOCLONIC EPILEPSY OF INFANCY; DEVELOPMENTAL AND EPILEPTIC ENCEPHALOPATHY 6A. Identifiers: Orphanet 33069, MedGen C0751122, MONDO:0100135, OMIM 607208.

Submissions (2):

Labcorp Genetics (formerly Invitae), Labcorp
Classification: Pathogenic for Early-infantile DEE. Last evaluated: 2025-01-27. Review status: criteria provided, single submitter. Criteria: Invitae Variant Classification Sherloc (09022015). Collection method: clinical testing. Allele origin: germline.
Comment: This sequence change creates a premature translational stop signal (p.Trp1219*) in the SCN1A gene. It is expected to result in an absent or disrupted protein product. Loss-of-function variants in SCN1A are known to be pathogenic (PMID: 17347258, 18930999). This variant is not present in population databases (gnomAD no frequency). This premature translational stop signal has been observed in individual(s) with Dravet syndrome (PMID: 21248271, 32090326). ClinVar contains an entry for this variant (Variation ID: 217244). Algorithms developed to predict the effect of sequence changes on RNA splicing suggest that this variant may disrupt the consensus splice site. For these reasons, this variant has been classified as Pathogenic.

Athena Diagnostics
Classification: Pathogenic for Severe myoclonic epilepsy in infancy. Last evaluated: 2013-07-17. Review status: criteria provided, single submitter. Criteria: Athena Diagnostics Criteria. Collection method: clinical testing. Allele origin: germline. Inheritance: Autosomal dominant inheritance.

Literature cited by the submitters: PubMed 17347258 (cited by Labcorp Genetics (formerly Invitae), Labcorp); PubMed 18930999 (cited by Labcorp Genetics (formerly Invitae), Labcorp); PubMed 21248271 (cited by Labcorp Genetics (formerly Invitae), Labcorp and Athena Diagnostics); PubMed 32090326 (cited by Labcorp Genetics (formerly Invitae), Labcorp).